The following is an entry in ClinVar:

ClinVar aggregate classification (germline): Uncertain significance. Review status: criteria provided, multiple submitters, no conflicts (2 of 4 stars). 2 submissions from 2 submitters: Uncertain significance (2). Last evaluated 2024-11-23.

Conditions:
Nemaline myopathy 2 (NEM2). Also called: Nemaline myopathy 2, autosomal recessive. Identifiers: MedGen C1850569, MONDO:0009725, OMIM 256030.
Inborn genetic diseases. Identifiers: MedGen C0950123, MeSH D030342.

gnomAD v4.1: 5 of 1,575,422 alleles (0.00032%); no homozygotes.

Submissions (2):

Ambry Genetics
Classification: Uncertain significance for Inborn genetic diseases. Last evaluated: 2024-11-23. Review status: criteria provided, single submitter. Criteria: Ambry Variant Classification Scheme 2023. Collection method: clinical testing. Allele origin: germline.

Labcorp Genetics (formerly Invitae), Labcorp
Classification: Uncertain significance for Nemaline myopathy 2. Last evaluated: 2024-01-31. Review status: criteria provided, single submitter. Criteria: Invitae Variant Classification Sherloc (09022015). Collection method: clinical testing. Allele origin: germline.
Comment: This sequence change replaces arginine, which is basic and polar, with serine, which is neutral and polar, at codon 2478 of the NEB protein (p.Arg2478Ser). This variant is not present in population databases (gnomAD no frequency). This variant has not been reported in the literature in individuals affected with NEB-related conditions. Experimental studies and prediction algorithms are not available or were not evaluated, and the functional significance of this variant is currently unknown. In summary, the available evidence is currently insufficient to determine the role of this variant in disease. Therefore, it has been classified as a Variant of Uncertain Significance.

NM_001164508.2(NEB):c.7434A>C (p.Arg2478Ser)

Gene: NEB (nebulin; minus strand). Cytogenetic location: 2q23.3.
Variant type: single nucleotide variant.
Coding change: c.7434A>C on transcript NM_001164508.2 (MANE Select); coding-DNA position 7434, A replaced by C.
Protein change: p.Arg2478Ser; replaces arginine 2478 with serine.
Molecular consequence: missense variant.
Genome position (GRCh38, 1-based): chr2:151,646,232, T>G on the plus strand (A>C on the coding strand, the complement: NEB is on the minus strand). VCF-style: chr2-151646232-T-G. GRCh37 (hg19) VCF-style: chr2-152502746-T-G.
Other names: c.7434A>C, p.Arg2478Ser (NM_001164507.2, NM_001271208.2, NM_004543.5); short protein forms R2478S.
Identifiers: ClinVar variation 3403983 (VCV003403983.3).